The following is an entry in ClinVar:

ClinVar aggregate classification (germline): Uncertain significance (1 of 4 stars; one submission).

Submission:

GeneDx
Classification: Uncertain significance. Last evaluated: 2023-07-20. Review status: criteria provided, single submitter. Criteria: GeneDx Variant Classification Process June 2021. Collection method: clinical testing. Allele origin: germline. Affected: yes.
Comment: Not observed at significant frequency in large population cohorts (gnomAD); In silico analysis supports that this missense variant has a deleterious effect on protein structure/function; Has not been previously published as pathogenic or benign to our knowledge

NM_001005273.3(CHD3):c.2890A>G (p.Met964Val)

Gene: CHD3 (chromodomain helicase DNA binding protein 3; plus strand). Cytogenetic location: 17p13.1.
Variant type: single nucleotide variant.
Coding change: c.2890A>G on transcript NM_001005273.3 (MANE Select); coding-DNA position 2890, A replaced by G.
Protein change: p.Met964Val; replaces methionine 964 with valine.
Molecular consequence: missense variant.
Genome position (GRCh38, 1-based): chr17:7,900,643, A>G. VCF-style: chr17-7900643-A-G. GRCh37 (hg19) VCF-style: chr17-7803961-A-G.
Other names: c.3067A>G, p.Met1023Val (NM_001005271.3); c.2890A>G, p.Met964Val (NM_005852.4); short protein forms M1023V, M964V.
Identifiers: ClinVar variation 3361157 (VCV003361157.1).
Genomic context (GRCh38, chr17:7,900,643, plus strand): 5'-TTTGCTGACATATCCAAAGAGGACCAGATCAAGAAACTGCATGATTTGCTGGGGCCACAC[A>G]TGCTGCGGAGACTCAAGGCAGATGTCTTTAAGAACATGCCAGCCAAGACAGAGCTCATCG-3'
Protein context (NP_001005273.1, residues 954-974): KKLHDLLGPH[Met964Val]LRRLKADVFK